The following is an entry in ClinVar:

ClinVar aggregate classification (germline): Uncertain significance. Review status: criteria provided, multiple submitters, no conflicts (2 of 4 stars). 2 submissions from 2 submitters: Uncertain significance (2). Last evaluated 2022-12-22.

Allele frequency attached by ClinVar (database versions not stated): gnomAD 0.00001 and 0.00003; TOPMed 0.00002; gnomAD exomes 0.00003 and 0.00005; ExAC 0.00007.
gnomAD v4.1: 54 of 1,614,106 alleles (0.0033%); highest among the groups gnomAD compares: South Asian, 0.04%; no homozygotes.

Submissions (2):

Blueprint Genetics
Classification: Uncertain significance. Last evaluated: 2022-12-22. Review status: criteria provided, single submitter. Criteria: ACMG Guidelines, 2015. Collection method: clinical testing. Allele origin: germline.

Labcorp Genetics (formerly Invitae), Labcorp
Classification: Uncertain significance. Last evaluated: 2022-07-06. Review status: criteria provided, single submitter. Criteria: Invitae Variant Classification Sherloc (09022015). Collection method: clinical testing. Allele origin: germline.
Comment: This sequence change replaces glycine, which is neutral and non-polar, with serine, which is neutral and polar, at codon 116 of the ARPC1B protein (p.Gly116Ser). This variant is present in population databases (rs769870868, gnomAD 0.03%). This variant has not been reported in the literature in individuals affected with ARPC1B-related conditions. ClinVar contains an entry for this variant (Variation ID: 1488603). Algorithms developed to predict the effect of missense changes on protein structure and function are either unavailable or do not agree on the potential impact of this missense change (SIFT: "Tolerated"; PolyPhen-2: "Possibly Damaging"; Align-GVGD: "Class C0"). In summary, the available evidence is currently insufficient to determine the role of this variant in disease. Therefore, it has been classified as a Variant of Uncertain Significance.

NM_005720.4(ARPC1B):c.346G>A (p.Gly116Ser)

Gene: ARPC1B (actin related protein 2/3 complex subunit 1B; plus strand). Cytogenetic location: 7q22.1.
Variant type: single nucleotide variant.
Coding change: c.346G>A on transcript NM_005720.4 (MANE Select); coding-DNA position 346, G replaced by A.
Protein change: p.Gly116Ser; replaces glycine 116 with serine.
Molecular consequence: missense variant.
Genome position (GRCh38, 1-based): chr7:99,388,215, G>A. VCF-style: chr7-99388215-G-A. GRCh37 (hg19) VCF-style: chr7-98985838-G-A.
Other names: short protein forms G116S.
Identifiers: ClinVar variation 1488603 (VCV001488603.6), dbSNP rs769870868, ClinGen allele CA4363981.